The following is an entry in ClinVar:

NM_000238.4(KCNH2):c.729C>A (p.Ser243Arg)

Gene: KCNH2 (potassium voltage-gated channel subfamily H member 2; minus strand). Cytogenetic location: 7q36.1.
Variant type: single nucleotide variant.
Coding change: c.729C>A on transcript NM_000238.4 (MANE Select); coding-DNA position 729, C replaced by A.
Protein change: p.Ser243Arg; replaces serine 243 with arginine.
Molecular consequence: missense variant.
Genome position (GRCh38, 1-based): chr7:150,958,246, G>T on the plus strand (C>A on the coding strand, the complement: KCNH2 is on the minus strand). VCF-style: chr7-150958246-G-T. GRCh37 (hg19) VCF-style: chr7-150655334-G-T.
Other names: c.441C>A, p.Ser147Arg (NM_001406753.1, NM_001406756.1); c.552C>A, p.Ser184Arg (NM_001406755.1); c.429C>A, p.Ser143Arg (NM_001406757.1); c.729C>A, p.Ser243Arg (NM_172056.3); short protein forms S147R, S184R, S243R, S143R.
Identifiers: ClinVar variation 1758143 (VCV001758143.6), dbSNP rs863224337, ClinGen allele CA369862692.

ClinVar aggregate classification (germline): Uncertain significance. Review status: criteria provided, multiple submitters, no conflicts (2 of 4 stars). 2 submissions from 2 submitters: Uncertain significance (2). Last evaluated 2025-11-16.

Conditions:
Cardiovascular phenotype. Identifiers: MedGen CN230736.
Long QT syndrome (LQTS). Identifiers: MedGen C0023976, MeSH D008133, MONDO:0002442. Disease mechanism: loss of function. Inheritance: Various modes of inheritance.

gnomAD v4.1: 1 of 1,406,832 alleles (0.000071%); no homozygotes.

Submissions (2):

Labcorp Genetics (formerly Invitae), Labcorp
Classification: Uncertain significance for Long QT syndrome. Last evaluated: 2025-11-16. Review status: criteria provided, single submitter. Criteria: Invitae Variant Classification Sherloc (09022015). Collection method: clinical testing. Allele origin: germline.
Comment: This sequence change replaces serine, which is neutral and polar, with arginine, which is basic and polar, at codon 243 of the KCNH2 protein (p.Ser243Arg). This variant is not present in population databases (gnomAD no frequency). This variant has not been reported in the literature in individuals affected with KCNH2-related conditions. ClinVar contains an entry for this variant (Variation ID: 1758143). An algorithm developed to predict the effect of missense changes on protein structure and function outputs the following: PolyPhen-2: "Benign". The arginine amino acid residue is found in multiple mammalian species, which suggests that this missense change does not adversely affect protein function. In summary, the available evidence is currently insufficient to determine the role of this variant in disease. Therefore, it has been classified as a Variant of Uncertain Significance.

Ambry Genetics
Classification: Uncertain significance for Cardiovascular phenotype. Last evaluated: 2022-03-08. Review status: criteria provided, single submitter. Criteria: Ambry Variant Classification Scheme 2023. Collection method: clinical testing. Allele origin: germline.
Comment: The p.S243R variant (also known as c.729C>A), located in coding exon 4 of the KCNH2 gene, results from a C to A substitution at nucleotide position 729. The serine at codon 243 is replaced by arginine, an amino acid with dissimilar properties. This alteration has been reported in an epilepsy cohort (Li X et al. Ann Hum Genet, 2020 03;84:161-168). This amino acid position is poorly conserved in available vertebrate species. In addition, this alteration is predicted to be tolerated by in silico analysis. Since supporting evidence is limited at this time, the clinical significance of this alteration remains unclear.

Literature cited by the submitters: PubMed 31696929 (cited by Ambry Genetics).